The following is an entry in ClinVar:

ClinVar aggregate classification (germline): Uncertain significance. Review status: criteria provided, multiple submitters, no conflicts (2 of 4 stars). 2 submissions from 2 submitters: Uncertain significance (2). Last evaluated 2024-01-19.

Conditions:
Gorlin syndrome. Also called: Nevoid Basal Cell Carcinoma Syndrome; Basal cell nevus syndrome. Identifiers: Orphanet 377, MedGen C0004779, MONDO:0007187.

Allele frequency attached by ClinVar (database versions not stated): gnomAD 0.00003.
gnomAD v4.1: 17 of 1,613,748 alleles (0.0011%); highest among the groups gnomAD compares: Admixed American, 0.012%; no homozygotes.

Submissions (2):

Ambry Genetics
Classification: Uncertain significance. Last evaluated: 2024-01-19. Review status: criteria provided, single submitter. Criteria: Ambry Variant Classification Scheme 2023. Collection method: clinical testing. Allele origin: germline.

Labcorp Genetics (formerly Invitae), Labcorp
Classification: Uncertain significance for Gorlin syndrome. Last evaluated: 2023-02-14. Review status: criteria provided, single submitter. Criteria: Invitae Variant Classification Sherloc (09022015). Collection method: clinical testing. Allele origin: germline.
Comment: This sequence change replaces aspartic acid, which is acidic and polar, with tyrosine, which is neutral and polar, at codon 586 of the PTCH2 protein (p.Asp586Tyr). This variant is present in population databases (rs751113988, gnomAD 0.009%). This variant has not been reported in the literature in individuals affected with PTCH2-related conditions. ClinVar contains an entry for this variant (Variation ID: 1428246). Advanced modeling of protein sequence and biophysical properties (such as structural, functional, and spatial information, amino acid conservation, physicochemical variation, residue mobility, and thermodynamic stability) performed at Invitae indicates that this missense variant is not expected to disrupt PTCH2 protein function. In summary, the available evidence is currently insufficient to determine the role of this variant in disease. Therefore, it has been classified as a Variant of Uncertain Significance.

NM_003738.5(PTCH2):c.1756G>T (p.Asp586Tyr)

Gene: PTCH2 (patched 2; minus strand). Cytogenetic location: 1p34.1.
Variant type: single nucleotide variant.
Coding change: c.1756G>T on transcript NM_003738.5 (MANE Select); coding-DNA position 1756, G replaced by T.
Protein change: p.Asp586Tyr; replaces aspartic acid 586 with tyrosine.
Molecular consequence: missense variant.
Genome position (GRCh38, 1-based): chr1:44,828,145, C>A on the plus strand (G>T on the coding strand, the complement: PTCH2 is on the minus strand). VCF-style: chr1-44828145-C-A. GRCh37 (hg19) VCF-style: chr1-45293817-C-A.
Other names: c.1756G>T, p.Asp586Tyr (NM_001166292.2); c.1756G>T (NM_003738.4); short protein forms D586Y.
Identifiers: ClinVar variation 1428246 (VCV001428246.7), dbSNP rs751113988, ClinGen allele CA21745303.